The following is an entry in ClinVar:

NM_004517.4(ILK):c.137G>A (p.Arg46His)

Genes: TAF10 (TATA-box binding protein associated factor 10; minus strand), ILK (integrin linked kinase; plus strand). Cytogenetic location: 11p15.4.
Variant type: single nucleotide variant.
Coding change: c.137G>A on transcript NM_004517.4 (MANE Select); coding-DNA position 137, G replaced by A.
Protein change: p.Arg46His; replaces arginine 46 with histidine.
Molecular consequence: missense variant. On other transcripts: 3 prime UTR variant (1), intron variant (1).
Genome position (GRCh38, 1-based): chr11:6,608,093, G>A. VCF-style: chr11-6608093-G-A. GRCh37 (hg19) VCF-style: chr11-6629323-G-A.
Other names: c.137G>A, p.Arg46His (NM_001014794.3, NM_001014795.3, NM_001278441.2); c.*2829C>T (NM_006284.4); c.-147-301G>A (NM_001278442.2); short protein forms R46H.
Identifiers: ClinVar variation 1381022 (VCV001381022.6), dbSNP rs370736279, ClinGen allele CA5857955.

ClinVar aggregate classification (germline): Uncertain significance (1 of 4 stars; one submission).

Conditions:
Primary familial hypertrophic cardiomyopathy (HCM). Identifiers: Orphanet 99739, MedGen C0949658, MeSH D024741, MONDO:0024573. Inheritance: Various modes of inheritance.

Allele frequency attached by ClinVar (database versions not stated): ExAC 0.00002; gnomAD 0.00002; gnomAD exomes 0.00002 and 0.00003; ESP Exome Variant Server 0.00008.
gnomAD v4.1: 50 of 1,613,996 alleles (0.0031%); highest among the groups gnomAD compares: South Asian, 0.0077%; no homozygotes.

Submission:

Labcorp Genetics (formerly Invitae), Labcorp
Classification: Uncertain significance for Primary familial hypertrophic cardiomyopathy. Last evaluated: 2025-12-09. Review status: criteria provided, single submitter. Criteria: Invitae Variant Classification Sherloc (09022015). Collection method: clinical testing. Allele origin: germline.
Comment: This sequence change replaces arginine, which is basic and polar, with histidine, which is basic and polar, at codon 46 of the ILK protein (p.Arg46His). This variant is present in population databases (rs370736279, gnomAD 0.01%). This variant has not been reported in the literature in individuals affected with ILK-related conditions. ClinVar contains an entry for this variant (Variation ID: 1381022). An algorithm developed to predict the effect of missense changes on protein structure and function (PolyPhen-2) suggests that this variant is likely to be tolerated. In summary, the available evidence is currently insufficient to determine the role of this variant in disease. Therefore, it has been classified as a Variant of Uncertain Significance.